The following is an entry in ClinVar:

NM_000726.5(CACNB4):c.*5385C>T

Gene: CACNB4 (calcium voltage-gated channel auxiliary subunit beta 4; minus strand). Cytogenetic location: 2q23.3.
Variant type: single nucleotide variant.
Coding change: c.*5385C>T on transcript NM_000726.5 (MANE Select); 5385 bases downstream of the stop codon, C replaced by T.
Molecular consequence: 3 prime UTR variant.
Genome position (GRCh38, 1-based): chr2:151,833,734, G>A on the plus strand (C>T on the coding strand, the complement: CACNB4 is on the minus strand). VCF-style: chr2-151833734-G-A. GRCh37 (hg19) VCF-style: chr2-152690248-G-A.
Other names: c.*5385C>T (NM_001005746.4, NM_001005747.4, NM_001145798.3 and 7 more transcripts).
Identifiers: ClinVar variation 331558 (VCV000331558.7), dbSNP rs1568673, ClinGen allele CA10610987.

ClinVar aggregate classification (germline): Benign. Review status: criteria provided, multiple submitters, no conflicts (2 of 4 stars). 2 submissions from 2 submitters: Benign (2). Last evaluated 2018-01-13.

Conditions:
Episodic ataxia type 5. Identifiers: Orphanet 211067, MedGen C1866039, MONDO:0013464, OMIM 613855.

Allele frequency attached by ClinVar (database versions not stated): 1000 Genomes Project 0.87839; 1000 Genomes Project 30x 0.88070; TOPMed 0.93073; gnomAD 0.93399 and 0.93666.

Submissions (2):

Illumina Laboratory Services, Illumina
Classification: Benign for Episodic ataxia type 5. Last evaluated: 2018-01-13. Review status: criteria provided, single submitter. Criteria: ICSL Variant Classification Criteria 13 December 2019. Collection method: clinical testing. Allele origin: germline.
Comment: This variant was observed in the ICSL laboratory as part of a predisposition screen in an ostensibly healthy population. It had not been previously curated by ICSL or reported in the Human Gene Mutation Database (HGMD: prior to June 1st, 2018), and was therefore a candidate for classification through an automated scoring system. Utilizing variant allele frequency, disease prevalence and penetrance estimates, and inheritance mode, an automated score was calculated to assess if this variant is too frequent to cause the disease. Based on the score and internal cut-off values, a variant classified as benign is not then subjected to further curation. The score for this variant resulted in a classification of benign for this disease.

Breakthrough Genomics
Classification: Benign. Review status: criteria provided, single submitter. Criteria: ACMG Guidelines, 2015. Collection method: not provided. Allele origin: germline. Inheritance: Autosomal dominant inheritance. Affected: yes.